The following is an entry in ClinVar:

ClinVar aggregate classification (germline): Uncertain significance. Review status: criteria provided, multiple submitters, no conflicts (2 of 4 stars). 6 submissions from 6 submitters: Uncertain significance (4). 2 of the submissions do not count toward it. Last evaluated 2024-10-30.

Conditions:
Retinitis pigmentosa (RP). Identifiers: Orphanet 791, MedGen C0035334, MeSH D012174, MONDO:0019200, OMIM 268000. Inheritance: Autosomal dominant, autosomal recessive and X linked inheritance.
Bardet-Biedl syndrome (BBS). Identifiers: Orphanet 110, MedGen C0752166, MONDO:0015229.
Bardet-Biedl syndrome 1 (BBS1). Identifiers: MedGen C2936862, MONDO:0008854, OMIM 209900. Disease mechanism: loss of function.
BBS1-related disorder. Also called: BBS1-related condition.
Retinal dystrophy. Also called: Inherited retinal dystrophy. Identifiers: Orphanet 71862, MedGen C0854723, MeSH D058499, MONDO:0019118, HP:0000556.

Allele frequency attached by ClinVar (database versions not stated): 1000 Genomes Project 0.00020; gnomAD 0.00002; TOPMed 0.00005; 1000 Genomes Project 30x 0.00016.
gnomAD v4.1: 27 of 1,613,920 alleles (0.0017%); highest among the groups gnomAD compares: Middle Eastern, 0.049%; no homozygotes.

Submissions (6):

Blueprint Genetics
Classification: Uncertain significance. Last evaluated: 2024-10-30. Review status: criteria provided, single submitter. Criteria: ACMG Guidelines, 2015. Collection method: clinical testing. Allele origin: germline.

Dept Of Ophthalmology, Nagoya University
Classification: Uncertain significance for Retinal dystrophy. Last evaluated: 2023-10-01. Review status: criteria provided, single submitter. Criteria: Submitter's publication. Collection method: research. Allele origin: germline. Affected: yes.

Fulgent Genetics
Classification: Uncertain significance for Bardet-Biedl syndrome 1. Last evaluated: 2022-04-07. Review status: criteria provided, single submitter. Criteria: ACMG Guidelines, 2015. Collection method: clinical testing. Allele origin: unknown.

Labcorp Genetics (formerly Invitae), Labcorp
Classification: Uncertain significance for Bardet-Biedl syndrome. Last evaluated: 2022-02-23. Review status: criteria provided, single submitter. Criteria: Invitae Variant Classification Sherloc (09022015). Collection method: clinical testing. Allele origin: germline.
Comment: This sequence change replaces serine, which is neutral and polar, with cysteine, which is neutral and slightly polar, at codon 554 of the BBS1 protein (p.Ser554Cys). This variant is not present in population databases (gnomAD no frequency). This missense change has been observed in individual(s) with retinitis pigmentosa (PMID: 30718709). ClinVar contains an entry for this variant (Variation ID: 636150). Algorithms developed to predict the effect of missense changes on protein structure and function output the following: SIFT: "Tolerated"; PolyPhen-2: "Benign"; Align-GVGD: "Class C0". The cysteine amino acid residue is found in multiple mammalian species, which suggests that this missense change does not adversely affect protein function. In summary, the available evidence is currently insufficient to determine the role of this variant in disease. Therefore, it has been classified as a Variant of Uncertain Significance.

PreventionGenetics, part of Exact Sciences
Classification: Uncertain significance for BBS1-related condition. Last evaluated: 2024-04-09. Review status: no assertion criteria provided. Collection method: clinical testing. Allele origin: germline. Not counted in ClinVar's aggregate classification.
Comment: The BBS1 c.1660A>T variant is predicted to result in the amino acid substitution p.Ser554Cys. This variant was reported as a variant of uncertain significance in the homozygous state in an individual with retinitis pigmentosa (Table S4 Jespersgaard et al. 2019. PubMed ID: 30718709). This variant is reported in 0.0054% of alleles in individuals of East Asian descent in gnomAD. At this time, the clinical significance of this variant is uncertain due to the absence of conclusive functional and genetic evidence.

Department of Clinical Genetics, Copenhagen University Hospital, Rigshospitalet
Classification: Uncertain significance for Retinitis pigmentosa. Last evaluated: 2018-04-01. Review status: no assertion criteria provided. Collection method: research. Allele origin: unknown. Affected: yes. Study: VeluxRD. Not counted in ClinVar's aggregate classification.

Literature cited by the submitters: PubMed 30718709 (cited by Labcorp Genetics (formerly Invitae), Labcorp and Department of Clinical Genetics, Copenhagen University Hospital, Rigshospitalet).

NM_024649.5(BBS1):c.1660A>T (p.Ser554Cys)

Genes: BBS1 (Bardet-Biedl syndrome 1; plus strand), ZDHHC24 (zDHHC palmitoyltransferase 24; minus strand). Cytogenetic location: 11q13.2.
Variant type: single nucleotide variant.
Coding change: c.1660A>T on transcript NM_024649.5 (MANE Select); coding-DNA position 1660, A replaced by T.
Protein change: p.Ser554Cys; replaces serine 554 with cysteine.
Molecular consequence: missense variant. On other transcripts: intron variant (1).
Genome position (GRCh38, 1-based): chr11:66,531,707, A>T. VCF-style: chr11-66531707-A-T. GRCh37 (hg19) VCF-style: chr11-66299178-A-T.
Other names: c.560-2219T>A (NM_001348571.2); short protein forms S554C.
Identifiers: ClinVar variation 636150 (VCV000636150.10), dbSNP rs184614863, ClinGen allele CA224050478.